The following is an entry in ClinVar:

NM_001852.4(COL9A2):c.364-20A>G

Gene: COL9A2 (collagen type IX alpha 2 chain; minus strand). Cytogenetic location: 1p34.2.
Variant type: single nucleotide variant.
Coding change: c.364-20A>G on transcript NM_001852.4 (MANE Select); 20 bases into the intron before coding-DNA position 364, A replaced by G.
Molecular consequence: intron variant.
Genome position (GRCh38, 1-based): chr1:40,312,132, T>C on the plus strand (A>G on the coding strand, the complement: COL9A2 is on the minus strand). VCF-style: chr1-40312132-T-C. GRCh37 (hg19) VCF-style: chr1-40777804-T-C.
Identifiers: ClinVar variation 258388 (VCV000258388.15), dbSNP rs78091688, ClinGen allele CA791969.

ClinVar aggregate classification (germline): Benign. Review status: criteria provided, multiple submitters, no conflicts (2 of 4 stars). 7 submissions from 7 submitters: Benign (5). 2 of the submissions do not count toward it. Last evaluated 2026-05-09.

Allele frequency attached by ClinVar (database versions not stated): 1000 Genomes Project 30x 0.12492; ExAC 0.07227; gnomAD 0.08404 and 0.08412; TOPMed 0.09100; ESP Exome Variant Server 0.08199; 1000 Genomes Project 0.12720; gnomAD exomes 0.03832 and 0.06021.
gnomAD v4.1: 68,527 of 1,592,960 alleles (4.3%); highest among the groups gnomAD compares: African/African-American, 20%; 3,193 homozygotes.

Submissions (7):

Women's Health and Genetics/Laboratory Corporation of America, LabCorp
Classification: Benign. Last evaluated: 2026-05-09. Review status: criteria provided, single submitter. Criteria: LabCorp Variant Classification Summary - May 2015. Collection method: clinical testing. Allele origin: germline.

Labcorp Genetics (formerly Invitae), Labcorp
Classification: Benign. Last evaluated: 2026-02-03. Review status: criteria provided, single submitter. Criteria: Invitae Variant Classification Sherloc (09022015). Collection method: clinical testing. Allele origin: germline.

GeneDx
Classification: Benign. Last evaluated: 2016-09-30. Review status: criteria provided, single submitter. Criteria: GeneDx Variant Classification (06012015). Collection method: clinical testing. Allele origin: germline. Affected: yes.
Comment: This variant is considered likely benign or benign based on one or more of the following criteria: it is a conservative change, it occurs at a poorly conserved position in the protein, it is predicted to be benign by multiple in silico algorithms, and/or has population frequency not consistent with disease.

Breakthrough Genomics
Classification: Benign. Review status: criteria provided, single submitter. Criteria: ACMG Guidelines, 2015. Collection method: not provided. Allele origin: germline. Inheritance: Autosomal recessive inheritance. Affected: yes.

PreventionGenetics, part of Exact Sciences
Classification: Benign. Review status: criteria provided, single submitter. Criteria: ACMG Guidelines, 2015. Collection method: clinical testing. Allele origin: germline.

Genome Diagnostics Laboratory, Amsterdam University Medical Center
Classification: Benign. Review status: no assertion criteria provided. Collection method: clinical testing. Allele origin: germline. Affected: yes. Study: VKGL Data-share Consensus. Not counted in ClinVar's aggregate classification.

Joint Genome Diagnostic Labs from Nijmegen and Maastricht, Radboudumc and MUMC+
Classification: Benign. Review status: no assertion criteria provided. Collection method: clinical testing. Allele origin: germline. Affected: yes. Study: VKGL Data-share Consensus. Not counted in ClinVar's aggregate classification.